The following is an entry in ClinVar:

ClinVar aggregate classification (germline): Uncertain significance. Review status: criteria provided, multiple submitters, no conflicts (2 of 4 stars). 2 submissions from 2 submitters: Uncertain significance (2). Last evaluated 2023-12-14.

Allele frequency attached by ClinVar (database versions not stated): gnomAD 0.00001; gnomAD exomes 0.00002; ExAC 0.00003; TOPMed 0.00003.

Submissions (2):

Ambry Genetics
Classification: Uncertain significance. Last evaluated: 2023-12-14. Review status: criteria provided, single submitter. Criteria: Ambry Variant Classification Scheme 2023. Collection method: clinical testing. Allele origin: germline.

GeneDx
Classification: Uncertain significance. Last evaluated: 2019-06-20. Review status: criteria provided, single submitter. Criteria: GeneDx Variant Classification Process June 2021. Collection method: clinical testing. Allele origin: germline. Affected: yes.
Comment: In silico analysis, which includes protein predictors and evolutionary conservation, supports a deleterious effect; Has not been previously published as pathogenic or benign to our knowledge

NM_006586.5(CNPY3):c.292G>A (p.Glu98Lys)

Genes: CNPY3 (canopy FGF signaling regulator 3; plus strand), CNPY3-GNMT (CNPY3-GNMT readthrough; plus strand). Cytogenetic location: 6p21.1.
Variant type: single nucleotide variant.
Coding change: c.292G>A on transcript NM_006586.5 (MANE Select); coding-DNA position 292, G replaced by A.
Protein change: p.Glu98Lys; replaces glutamic acid 98 with lysine.
Molecular consequence: missense variant. On other transcripts: 3 prime UTR variant (1), non-coding transcript variant (7), intron variant (3).
Genome position (GRCh38, 1-based): chr6:42,935,590, G>A. VCF-style: chr6-42935590-G-A. GRCh37 (hg19) VCF-style: chr6-42903328-G-A.
Other names: c.391G>A, p.Glu131Lys (NM_001318842.1); c.25G>A, p.Glu9Lys (NM_001318845.1); c.*3G>A (NM_001318847.2); c.292G>A, p.Glu98Lys (NM_001318848.2); c.8+5869G>A (NM_001318856.2); c.151+5869G>A (NM_001318857.2, NM_001318858.2); short protein forms E131K, E98K, E9K.
Identifiers: ClinVar variation 1190342 (VCV001190342.3), dbSNP rs746471637, ClinGen allele CA3810433.